The following is an entry in ClinVar:

ClinVar aggregate classification (germline): Benign. Review status: criteria provided, multiple submitters, no conflicts (2 of 4 stars). 2 submissions from 2 submitters: Benign (2). Last evaluated 2018-01-13.

Conditions:
Danon disease. Also called: ANTOPOL DISEASE; PSEUDOGLYCOGENOSIS II; GSD IIb; LYSOSOMAL GLYCOGEN STORAGE DISEASE WITHOUT ACID MALTASE DEFICIENCY; Glycogen Storage Disease Type IIb. Identifiers: Orphanet 34587, MedGen C0878677, MONDO:0010281, OMIM 300257.

Allele frequency attached by ClinVar (database versions not stated): gnomAD below 0.00001.
gnomAD v4.1: 37 of 1,207,615 alleles (0.0031%); highest among the groups gnomAD compares: South Asian, 0.062%; no homozygotes.

Submissions (2):

Illumina Laboratory Services, Illumina
Classification: Benign for Danon disease. Last evaluated: 2018-01-13. Review status: criteria provided, single submitter. Criteria: ICSL Variant Classification Criteria 13 December 2019. Collection method: clinical testing. Allele origin: germline.
Comment: This variant was observed in the ICSL laboratory as part of a predisposition screen in an ostensibly healthy population. It had not been previously curated by ICSL or reported in the Human Gene Mutation Database (HGMD: prior to June 1st, 2018), and was therefore a candidate for classification through an automated scoring system. Utilizing variant allele frequency, disease prevalence and penetrance estimates, and inheritance mode, an automated score was calculated to assess if this variant is too frequent to cause the disease. Based on the score and internal cut-off values, a variant classified as benign is not then subjected to further curation. The score for this variant resulted in a classification of benign for this disease.

GeneDx
Classification: Benign. Last evaluated: 2015-03-03. Review status: criteria provided, single submitter. Criteria: GeneDx Variant Classification Process June 2021. Collection method: clinical testing. Allele origin: germline. Affected: yes.

NM_002294.3(LAMP2):c.*33A>G

Gene: LAMP2 (lysosome associated membrane protein 2; minus strand). Cytogenetic location: Xq24.
Variant type: single nucleotide variant.
Coding change: c.*33A>G on transcript NM_002294.3 (MANE Select); 33 bases downstream of the stop codon, A replaced by G.
Molecular consequence: 3 prime UTR variant. On other transcripts: intron variant (1).
Genome position (GRCh38, 1-based): chrX:120,431,290, T>C on the plus strand (A>G on the coding strand, the complement: LAMP2 is on the minus strand). VCF-style: chrX-120431290-T-C. GRCh37 (hg19) VCF-style: chrX-119565145-T-C.
Other names: c.1094-2664A>G (NM_001122606.1).
Identifiers: ClinVar variation 367785 (VCV000367785.7), dbSNP rs745798436, ClinGen allele CA10505162.